The following is an entry in ClinVar:

NM_181523.3(PIK3R1):c.916+2T>C

Gene: PIK3R1 (phosphoinositide-3-kinase regulatory subunit 1; plus strand). Cytogenetic location: 5q13.1.
Variant type: single nucleotide variant.
Coding change: c.916+2T>C on transcript NM_181523.3 (MANE Select); the canonical splice donor site of the intron after coding-DNA position 916, T replaced by C.
Molecular consequence: splice donor variant.
Genome position (GRCh38, 1-based): chr5:68,281,008, T>C. VCF-style: chr5-68281008-T-C. GRCh37 (hg19) VCF-style: chr5-67576836-T-C.
Identifiers: ClinVar variation 2029429 (VCV002029429.4), dbSNP rs2530954124, ClinGen allele CA359876060.

ClinVar aggregate classification (germline): Likely pathogenic (1 of 4 stars; one submission).

Conditions:
SHORT syndrome. Also called: SHORT STATURE, HYPEREXTENSIBILITY, HERNIA, OCULAR DEPRESSION, RIEGER ANOMALY, AND TEETHING DELAY; PIK3R1-Related SHORT Syndrome; LIPODYSTROPHY, PARTIAL, WITH RIEGER ANOMALY AND SHORT STATURE. Identifiers: Orphanet 3163, MedGen C0878684, MONDO:0010026, OMIM 269880.
Agammaglobulinemia 7, autosomal recessive (AGM7). Also called: AGAMMAGLOBULINEMIA, AUTOSOMAL RECESSIVE, DUE TO PIK3R1 DEFECT. Identifiers: MedGen C3554689, MONDO:0014083, OMIM 615214.
Immunodeficiency 36 with lymphoproliferation. Also called: ACTIVATED PI3K-DELTA SYNDROME 2; Immunodeficiency 36; Activated PI3K Delta Syndrome Type 2 (APDS2). Identifiers: Orphanet 397596, Orphanet 693681, MedGen C4014934, MONDO:0014453, OMIM 616005.

Allele frequency attached by ClinVar (database versions not stated): gnomAD exomes below 0.00001.
gnomAD v4.1: 1 of 1,587,278 alleles (0.000063%); highest among the groups gnomAD compares: Non-Finnish European, 0.000086%; no homozygotes.

Submission:

Labcorp Genetics (formerly Invitae), Labcorp
Classification: Likely pathogenic for SHORT syndrome; Immunodeficiency 36 with lymphoproliferation; Agammaglobulinemia 7, autosomal recessive. Last evaluated: 2024-05-28. Review status: criteria provided, single submitter. Criteria: Invitae Variant Classification Sherloc (09022015). Collection method: clinical testing. Allele origin: germline.
Comment: This sequence change affects a donor splice site in intron 7 of the PIK3R1 gene. It is expected to disrupt RNA splicing. Variants that disrupt the donor or acceptor splice site typically lead to a loss of protein function (PMID: 16199547), and loss-of-function variants in PIK3R1 are known to be pathogenic (PMID: 22351933, 25133428). This variant is not present in population databases (gnomAD no frequency). This variant has not been reported in the literature in individuals affected with PIK3R1-related conditions. ClinVar contains an entry for this variant (Variation ID: 2029429). Algorithms developed to predict the effect of sequence changes on RNA splicing suggest that this variant may disrupt the consensus splice site. In summary, the currently available evidence indicates that the variant is pathogenic, but additional data are needed to prove that conclusively. Therefore, this variant has been classified as Likely Pathogenic.

Literature cited by the submitters: PubMed 16199547; PubMed 22351933; PubMed 25133428.